The following is an entry in ClinVar:

ClinVar aggregate classification (germline): Uncertain significance (1 of 4 stars; one submission).

Conditions:
Glycogen storage disease IXb (GSD9B). Also called: PHOSPHORYLASE KINASE DEFICIENCY OF LIVER AND MUSCLE, AUTOSOMAL RECESSIVE; GLYCOGENOSIS OF LIVER AND MUSCLE, AUTOSOMAL RECESSIVE; GSD IXb. Identifiers: Orphanet 79240, MedGen C0543514, MONDO:0009868, OMIM 261750.

Submission:

Labcorp Genetics (formerly Invitae), Labcorp
Classification: Uncertain significance for Glycogen storage disease IXb. Last evaluated: 2022-11-28. Review status: criteria provided, single submitter. Criteria: Invitae Variant Classification Sherloc (09022015). Collection method: clinical testing. Allele origin: germline.
Comment: This sequence change replaces proline, which is neutral and non-polar, with threonine, which is neutral and polar, at codon 1058 of the PHKB protein (p.Pro1058Thr). Information on the frequency of this variant in the gnomAD database is not available, as this variant may be reported differently in the database. This variant has not been reported in the literature in individuals affected with PHKB-related conditions. Experimental studies and prediction algorithms are not available or were not evaluated, and the functional significance of this variant is currently unknown. In summary, the available evidence is currently insufficient to determine the role of this variant in disease. Therefore, it has been classified as a Variant of Uncertain Significance.

NM_000293.3(PHKB):c.3171_3172delinsAA (p.Pro1058Thr)

Gene: PHKB (phosphorylase kinase regulatory subunit beta; plus strand). Cytogenetic location: 16q12.1.
Variant type: Indel.
Coding change: c.3171_3172delinsAA on transcript NM_000293.3 (MANE Select); coding-DNA positions 3171 to 3172, TC replaced by AA.
Protein change: p.Pro1058Thr; replaces proline 1058 with threonine.
Molecular consequence: missense variant.
Genome position (GRCh38, 1-based): chr16:47,699,255-47,699,256, TC replaced by AA. VCF-style: chr16-47699255-TC-AA. GRCh37 (hg19) VCF-style: chr16-47733166-TC-AA.
Other names: c.3150_3151delinsAA, p.Pro1051Thr (NM_001031835.3); c.3171_3172delinsAA, p.Pro1058Thr (NM_001363837.1); short protein forms P1058T, P1051T.
Identifiers: ClinVar variation 1989629 (VCV001989629.3), dbSNP rs2506741367, ClinGen allele CA2580091565.